The following is an entry in ClinVar:

ClinVar aggregate classification (germline): Uncertain significance (1 of 4 stars; one submission).

gnomAD v4.1: 2 of 1,517,890 alleles (0.00013%); highest among the groups gnomAD compares: Admixed American, 0.0021%; no homozygotes.

Submission:

Labcorp Genetics (formerly Invitae), Labcorp
Classification: Uncertain significance. Last evaluated: 2024-11-05. Review status: criteria provided, single submitter. Criteria: Invitae Variant Classification Sherloc (09022015). Collection method: clinical testing. Allele origin: germline.
Comment: This sequence change replaces proline, which is neutral and non-polar, with glutamine, which is neutral and polar, at codon 82 of the C1QTNF5 protein (p.Pro82Gln). This variant is not present in population databases (gnomAD no frequency). This variant has not been reported in the literature in individuals affected with C1QTNF5-related conditions. ClinVar contains an entry for this variant (Variation ID: 1469788). An algorithm developed to predict the effect of missense changes on protein structure and function outputs the following: PolyPhen-2: "Benign". The glutamine amino acid residue is found in multiple mammalian species, which suggests that this missense change does not adversely affect protein function. In summary, the available evidence is currently insufficient to determine the role of this variant in disease. Therefore, it has been classified as a Variant of Uncertain Significance.

NM_001278431.2(C1QTNF5):c.245C>A (p.Pro82Gln)

Genes: C1QTNF5 (C1q and TNF related 5; minus strand), MFRP (membrane frizzled-related protein; minus strand). Cytogenetic location: 11q23.3.
Variant type: single nucleotide variant.
Coding change: c.245C>A on transcript NM_001278431.2 (MANE Select); coding-DNA position 245, C replaced by A.
Protein change: p.Pro82Gln; replaces proline 82 with glutamine.
Molecular consequence: missense variant. On other transcripts: 3 prime UTR variant (1).
Genome position (GRCh38, 1-based): chr11:119,339,818, G>T on the plus strand (C>A on the coding strand, the complement: C1QTNF5 is on the minus strand). VCF-style: chr11-119339818-G-T. GRCh37 (hg19) VCF-style: chr11-119210528-G-T.
Other names: c.245C>A, p.Pro82Gln (NM_015645.5); c.*1141C>A (NM_031433.4); short protein forms P82Q.
Identifiers: ClinVar variation 1469788 (VCV001469788.6), dbSNP rs1324412710, ClinGen allele CA382970095.